The following is an entry in ClinVar:

ClinVar aggregate classification (germline): Uncertain significance. Review status: criteria provided, multiple submitters, no conflicts (2 of 4 stars). 3 submissions from 3 submitters: Uncertain significance (3). Last evaluated 2026-08-16.

Conditions:
Familial thoracic aortic aneurysm and aortic dissection (TAAD). Also called: Thoracic aortic aneurysms and dissections. Identifiers: Orphanet 91387, MedGen C4707243, MONDO:0019625.
Marfan syndrome (MFS). Also called: Marfan syndrome, classic; Marfan syndrome type 1; Marfan's syndrome; FBN1-Related Marfan Syndrome; MARFAN SYNDROME, TYPE I. Identifiers: Orphanet 284963, Orphanet 558, MedGen C0024796, MONDO:0007947, OMIM 154700.

gnomAD v4.1: 1 of 1,614,004 alleles (0.000062%); highest among the groups gnomAD compares: Non-Finnish European, 0.000085%; no homozygotes.

Submissions (3):

Ambry Genetics
Classification: Uncertain significance for Familial thoracic aortic aneurysm and aortic dissection. Last evaluated: 2026-08-16. Review status: criteria provided, single submitter. Criteria: Ambry Variant Classification Scheme 2023. Collection method: clinical testing. Allele origin: germline.
Comment: The p.G501V variant (also known as c.1502G>T), located in coding exon 12 of the FBN1 gene, results from a G to T substitution at nucleotide position 1502. The glycine at codon 501 is replaced by valine, an amino acid with dissimilar properties. This amino acid position is conserved. In addition, the in silico prediction for this alteration is inconclusive. Based on the available evidence, the clinical significance of this variant remains unclear.

Color Diagnostics, LLC DBA Color Health
Classification: Uncertain significance for Familial thoracic aortic aneurysm and aortic dissection. Last evaluated: 2025-06-30. Review status: criteria provided, single submitter. Criteria: ACMG Guidelines, 2015. Collection method: clinical testing. Allele origin: germline.
Comment: This missense variant replaces glycine with valine at codon 501 of the FBN1 protein. Computational prediction is inconclusive regarding the impact of this variant on protein structure and function. To our knowledge, functional studies have not been reported for this variant. This variant has not been reported in individuals affected with FBN1-related disorders in the literature. This variant has not been identified in the general population by the Genome Aggregation Database (gnomAD). The available evidence is insufficient to determine the role of this variant in disease conclusively. Therefore, this variant is classified as a Variant of Uncertain Significance.

Labcorp Genetics (formerly Invitae), Labcorp
Classification: Uncertain significance for Marfan syndrome; Familial thoracic aortic aneurysm and aortic dissection. Last evaluated: 2024-01-03. Review status: criteria provided, single submitter. Criteria: Invitae Variant Classification Sherloc (09022015). Collection method: clinical testing. Allele origin: germline.
Comment: This sequence change replaces glycine, which is neutral and non-polar, with valine, which is neutral and non-polar, at codon 501 of the FBN1 protein (p.Gly501Val). This variant is not present in population databases (gnomAD no frequency). This variant has not been reported in the literature in individuals affected with FBN1-related conditions. Advanced modeling of protein sequence and biophysical properties (such as structural, functional, and spatial information, amino acid conservation, physicochemical variation, residue mobility, and thermodynamic stability) has been performed at Invitae for this missense variant, however the output from this modeling did not meet the statistical confidence thresholds required to predict the impact of this variant on FBN1 protein function. In summary, the available evidence is currently insufficient to determine the role of this variant in disease. Therefore, it has been classified as a Variant of Uncertain Significance.

NM_000138.5(FBN1):c.1502G>T (p.Gly501Val)

Gene: FBN1 (fibrillin 1; minus strand). Cytogenetic location: 15q21.1.
Variant type: single nucleotide variant.
Coding change: c.1502G>T on transcript NM_000138.5 (MANE Select); coding-DNA position 1502, G replaced by T.
Protein change: p.Gly501Val; replaces glycine 501 with valine.
Molecular consequence: missense variant.
Genome position (GRCh38, 1-based): chr15:48,513,635, C>A on the plus strand (G>T on the coding strand, the complement: FBN1 is on the minus strand). VCF-style: chr15-48513635-C-A. GRCh37 (hg19) VCF-style: chr15-48805832-C-A.
Other names: c.1502G>T, p.Gly501Val (NM_001406716.1); short protein forms G501V.
Identifiers: ClinVar variation 2939978 (VCV002939978.5), dbSNP rs1461938183, ClinGen allele CA392342666.